The following is an entry in ClinVar:

ClinVar aggregate classification (germline): Conflicting classifications of pathogenicity. Review status: criteria provided, conflicting classifications (1 of 4 stars). 4 submissions from 4 submitters: Likely pathogenic (1); Uncertain significance (1). 2 of the submissions do not count toward it. Last evaluated 2020-09-24.

Conditions:
Autosomal recessive polycystic kidney disease (ARPKD). Also called: AR polycystic kidney disease. Identifiers: Orphanet 731, Orphanet 8378, MedGen C0085548, MeSH D017044, MONDO:0009889.
Polycystic kidney disease 4 (PKD4). Also called: POLYCYSTIC KIDNEY DISEASE 4 WITH OR WITHOUT POLYCYSTIC LIVER DISEASE; POLYCYSTIC KIDNEY AND HEPATIC DISEASE 1; POLYCYSTIC KIDNEY DISEASE, INFANTILE, TYPE I; PKD3; Autosomal Recessive Polycystic Kidney Disease – PKHD1. Identifiers: MedGen C4540575, MONDO:0033004, OMIM 263200.

Submissions (4):

Labcorp Genetics (formerly Invitae), Labcorp
Classification: Uncertain significance for Autosomal recessive polycystic kidney disease. Last evaluated: 2020-09-24. Review status: criteria provided, single submitter. Criteria: Invitae Variant Classification Sherloc (09022015). Collection method: clinical testing. Allele origin: germline.
Comment: This variant, c.1242_1250del, results in the deletion of 3 amino acid(s) of the PKHD1 protein (p.Ala415_Ile417del), but otherwise preserves the integrity of the reading frame. This variant is not present in population databases (ExAC no frequency). In summary, the available evidence is currently insufficient to determine the role of this variant in disease. Therefore, it has been classified as a Variant of Uncertain Significance. Experimental studies and prediction algorithms are not available or were not evaluated, and the functional significance of this variant is currently unknown. This variant has not been reported in the literature in individuals with PKHD1-related conditions. ClinVar contains an entry for this variant (Variation ID: 557308).

Mendelics
Classification: Likely pathogenic for Polycystic kidney disease 4. Last evaluated: 2019-05-28. Review status: criteria provided, single submitter. Criteria: Mendelics Assertion Criteria 2017. Collection method: clinical testing. Allele origin: unknown.

Natera, Inc.
Classification: Uncertain significance for Autosomal recessive polycystic kidney disease. Last evaluated: 2020-09-29. Review status: no assertion criteria provided. Collection method: clinical testing. Allele origin: germline. Not counted in ClinVar's aggregate classification.

Counsyl
Classification: Uncertain significance for Polycystic kidney disease 4. Last evaluated: 2018-03-15. Review status: no assertion criteria provided. Collection method: clinical testing. Allele origin: unknown. Not counted in ClinVar's aggregate classification.

NM_138694.4(PKHD1):c.1242_1250del (p.Ala415_Ile417del)

Gene: PKHD1 (PKHD1 ciliary IPT domain containing fibrocystin/polyductin; minus strand). Cytogenetic location: 6p12.2.
Variant type: Deletion.
Coding change: c.1242_1250del on transcript NM_138694.4 (MANE Select); coding-DNA positions 1242 to 1250, 9 bases deleted (GGCCTCCAT; older notation c.1242_1250delGGCCTCCAT).
Protein change: p.Ala415_Ile417del.
Molecular consequence: inframe deletion.
Genome position (GRCh38, 1-based): chr6:52,058,585-52,058,593, ATGGAGGCC deleted on the plus strand (GGCCTCCAT on the coding strand, the reverse complement: PKHD1 is on the minus strand); deleting any 9 consecutive bases within chr6:52,058,585-52,058,594 gives the same sequence; the c. name uses the placement nearest the transcript's 3' end. VCF-style (leftmost placement, unchanged base first): chr6-52058584-GATGGAGGCC-G. GRCh37 (hg19) VCF-style: chr6-51923382-GATGGAGGCC-G.
Other names: c.1242_1250del, p.Ala415_Ile417del (NM_170724.3).
Identifiers: ClinVar variation 557308 (VCV000557308.18), dbSNP rs1554217913, ClinGen allele CA658821301.
Genomic context (GRCh38, chr6:52,058,584, plus strand): 5'-CCAGGTCCCTTCATCCCTATTCTGCTCCCAGGAGTCAAACCAGTCAGCAGTGCCGACGCT[GATGGAGGCC>G]ACTTTCACCTATGCCCAAATAAGCATATCATGATCAATACTATGCAGCTTCCAGGCATCT-3'